The following is an entry in ClinVar:

ClinVar aggregate classification (germline): Likely benign. Review status: criteria provided, multiple submitters, no conflicts (2 of 4 stars). 3 submissions from 3 submitters: Likely benign (2). 1 of the submissions does not count toward it. Last evaluated 2025-11-03.

Conditions:
COQ2-related disorder. Also called: COQ2-related condition.

Allele frequency attached by ClinVar (database versions not stated): ExAC 0.00007; gnomAD 0.00030; 1000 Genomes Project 30x 0.00031; TOPMed 0.00031; ESP Exome Variant Server 0.00034; 1000 Genomes Project 0.00040.
gnomAD v4.1: 124 of 1,613,414 alleles (0.0077%); highest among the groups gnomAD compares: African/African-American, 0.095%; no homozygotes.

Submissions (3):

Labcorp Genetics (formerly Invitae), Labcorp
Classification: Likely benign. Last evaluated: 2025-11-03. Review status: criteria provided, single submitter. Criteria: Invitae Variant Classification Sherloc (09022015). Collection method: clinical testing. Allele origin: germline.

Blueprint Genetics
Classification: Likely benign. Last evaluated: 2024-09-13. Review status: criteria provided, single submitter. Criteria: ACMG Guidelines, 2015. Collection method: clinical testing. Allele origin: germline.

PreventionGenetics, part of Exact Sciences
Classification: Likely benign for COQ2-related condition. Last evaluated: 2020-01-17. Review status: no assertion criteria provided. Collection method: clinical testing. Allele origin: germline. Not counted in ClinVar's aggregate classification.
Comment: This variant is classified as likely benign based on ACMG/AMP sequence variant interpretation guidelines (Richards et al. 2015 PMID: 25741868, with internal and published modifications).

NM_001358921.2(COQ2):c.450C>T (p.Ala150=)

Gene: COQ2 (coenzyme Q2, polyprenyltransferase; minus strand). Cytogenetic location: 4q21.23.
Variant type: single nucleotide variant.
Coding change: c.450C>T on transcript NM_001358921.2 (MANE Select); coding-DNA position 450, C replaced by T.
Protein change: p.Ala150=; no amino-acid change (alanine 150 retained).
Molecular consequence: synonymous variant.
Genome position (GRCh38, 1-based): chr4:83,273,588, G>A on the plus strand (C>T on the coding strand, the complement: COQ2 is on the minus strand). VCF-style: chr4-83273588-G-A. GRCh37 (hg19) VCF-style: chr4-84194741-G-A.
Other names: c.600C>T, p.Ala200= (NM_015697.9); c.600C>T (NM_015697.7).
Identifiers: ClinVar variation 2164054 (VCV002164054.7), dbSNP rs376948148, ClinGen allele CA2988598.